The following is an entry in ClinVar:

ClinVar aggregate classification (germline): Uncertain significance (0 of 4 stars; one submission).

Submission:

Martin Pollak Laboratory,  Beth Israel Deaconess Medical Center
Classification: Uncertain significance. Review status: no assertion criteria provided. Collection method: not provided. Allele origin: unknown.
Comment: Lower UCa2+ group
ClinVar note: Converted during submission from unknown to Uncertain significance.

NM_001096.3(ACLY):c.789C>T (p.Ser263=)

Gene: ACLY (ATP citrate lyase; minus strand). Cytogenetic location: 17q21.2.
Variant type: single nucleotide variant.
Coding change: c.789C>T on transcript NM_001096.3 (MANE Select); coding-DNA position 789, C replaced by T.
Protein change: p.Ser263=; no amino-acid change (serine 263 retained).
Molecular consequence: synonymous variant.
Genome position (GRCh38, 1-based): chr17:41,906,605, G>A on the plus strand (C>T on the coding strand, the complement: ACLY is on the minus strand). VCF-style: chr17-41906605-G-A. GRCh37 (hg19) VCF-style: chr17-40062858-G-A.
Other names: c.951C>T, p.Ser317= (NM_001303274.1, NM_001303275.1); c.789C>T, p.Ser263= (NM_198830.2).
Identifiers: ClinVar variation 64474 (VCV000064474.2), dbSNP rs387907383, ClinGen allele CA216223.